The following is an entry in ClinVar:

ClinVar aggregate classification (germline): Likely benign (0 of 4 stars; one submission).

Conditions:
DISP3-related disorder. Also called: DISP3-related condition.

Allele frequency attached by ClinVar (database versions not stated): TOPMed 0.00009; gnomAD 0.00011; ExAC 0.00013.
gnomAD v4.1: 198 of 1,613,684 alleles (0.012%); highest among the groups gnomAD compares: Non-Finnish European, 0.016%; no homozygotes.

Submission:

PreventionGenetics, part of Exact Sciences
Classification: Likely benign for DISP3-related condition. Last evaluated: 2019-08-02. Review status: no assertion criteria provided. Collection method: clinical testing. Allele origin: germline.
Comment: This variant is classified as likely benign based on ACMG/AMP sequence variant interpretation guidelines (Richards et al. 2015 PMID: 25741868, with internal and published modifications).

NM_020780.2(DISP3):c.1986C>T (p.Pro662=)

Gene: DISP3 (dispatched RND transporter family member 3; plus strand). Cytogenetic location: 1p36.22.
Variant type: single nucleotide variant.
Coding change: c.1986C>T on transcript NM_020780.2 (MANE Select); coding-DNA position 1986, C replaced by T.
Protein change: p.Pro662=; no amino-acid change (proline 662 retained).
Molecular consequence: synonymous variant.
Genome position (GRCh38, 1-based): chr1:11,519,451, C>T. VCF-style: chr1-11519451-C-T. GRCh37 (hg19) VCF-style: chr1-11579508-C-T.
Identifiers: ClinVar variation 3034633 (VCV003034633.2), dbSNP rs755313631, ClinGen allele CA591830.
Genomic context (GRCh38, chr1:11,519,451, plus strand): 5'-CTTCCCCGGAGACGTGTTTGCCGCTCCCGAGCAGGTTGGAGGCAGCCCTGCCCAGGGCCC[C>T]ATACCCTACCTGGATGATGACATCCCCTTGCTGGAGGTCGAGGAAGAGCCAGGTGAGAGC-3'
Protein context (NP_065831.1, residues 652-672): EQVGGSPAQG[Pro662=]IPYLDDDIPL